The following is an entry in ClinVar:

ClinVar aggregate classification (germline): Uncertain significance. Review status: criteria provided, multiple submitters, no conflicts (2 of 4 stars). 2 submissions from 2 submitters: Uncertain significance (2). Last evaluated 2025-03-08.

Conditions:
Inborn genetic diseases. Identifiers: MedGen C0950123, MeSH D030342.

Allele frequency attached by ClinVar (database versions not stated): TOPMed 0.00009.

Submissions (2):

Ambry Genetics
Classification: Uncertain significance for Inborn genetic diseases. Last evaluated: 2025-03-08. Review status: criteria provided, single submitter. Criteria: Ambry Variant Classification Scheme 2023. Collection method: clinical testing. Allele origin: germline.

Labcorp Genetics (formerly Invitae), Labcorp
Classification: Uncertain significance. Last evaluated: 2022-06-14. Review status: criteria provided, single submitter. Criteria: Invitae Variant Classification Sherloc (09022015). Collection method: clinical testing. Allele origin: germline.
Comment: In summary, the available evidence is currently insufficient to determine the role of this variant in disease. Therefore, it has been classified as a Variant of Uncertain Significance. Algorithms developed to predict the effect of missense changes on protein structure and function output the following: SIFT: "Deleterious"; PolyPhen-2: "Benign"; Align-GVGD: "Class C0". The threonine amino acid residue is found in multiple mammalian species, which suggests that this missense change does not adversely affect protein function. ClinVar contains an entry for this variant (Variation ID: 1008763). This variant has not been reported in the literature in individuals affected with LRIT3-related conditions. This variant is present in population databases (rs765920612, gnomAD 0.03%). This sequence change replaces methionine, which is neutral and non-polar, with threonine, which is neutral and polar, at codon 128 of the LRIT3 protein (p.Met128Thr).

NM_198506.5(LRIT3):c.383T>C (p.Met128Thr)

Gene: LRIT3 (leucine rich repeat, Ig-like and transmembrane domains 3; plus strand). Cytogenetic location: 4q25.
Variant type: single nucleotide variant.
Coding change: c.383T>C on transcript NM_198506.5 (MANE Select); coding-DNA position 383, T replaced by C.
Protein change: p.Met128Thr; replaces methionine 128 with threonine.
Molecular consequence: missense variant.
Genome position (GRCh38, 1-based): chr4:109,851,770, T>C. VCF-style: chr4-109851770-T-C. GRCh37 (hg19) VCF-style: chr4-110772926-T-C.
Other names: c.248T>C (NM_198506.2); short protein forms M128T.
Identifiers: ClinVar variation 1008763 (VCV001008763.6), dbSNP rs765920612, ClinGen allele CA3042986.